The following is an entry in ClinVar:

ClinVar aggregate classification (germline): Uncertain significance (1 of 4 stars; one submission).

Conditions:
Cardiovascular phenotype. Identifiers: MedGen CN230736.

gnomAD v4.1: 1 of 1,593,976 alleles (0.000063%); no homozygotes.

Submission:

Ambry Genetics
Classification: Uncertain significance for Cardiovascular phenotype. Last evaluated: 2024-05-26. Review status: criteria provided, single submitter. Criteria: Ambry Variant Classification Scheme 2023. Collection method: clinical testing. Allele origin: germline.
Comment: The p.A64T variant (also known as c.190G>A), located in coding exon 1 of the LAMA4 gene, results from a G to A substitution at nucleotide position 190. The alanine at codon 64 is replaced by threonine, an amino acid with similar properties. This amino acid position is conserved. In addition, this alteration is predicted to be tolerated by in silico analysis. Based on the available evidence, the clinical significance of this variant remains unclear.

NM_001105206.3(LAMA4):c.190G>A (p.Ala64Thr)

Genes: LAMA4 (laminin subunit alpha 4; minus strand), LAMA4-AS1 (LAMA4 antisense RNA 1; plus strand). Cytogenetic location: 6q21.
Variant type: single nucleotide variant.
Coding change: c.190G>A on transcript NM_001105206.3 (MANE Select); coding-DNA position 190, G replaced by A.
Protein change: p.Ala64Thr; replaces alanine 64 with threonine.
Molecular consequence: missense variant.
Genome position (GRCh38, 1-based): chr6:112,253,961, C>T on the plus strand (G>A on the coding strand, the complement: LAMA4 is on the minus strand). VCF-style: chr6-112253961-C-T. GRCh37 (hg19) VCF-style: chr6-112575163-C-T.
Other names: c.190G>A, p.Ala64Thr (NM_001105207.3, NM_001105208.3, NM_001105209.3 and 1 more transcripts); short protein forms A64T.
Identifiers: ClinVar variation 3289948 (VCV003289948.1).